The following is an entry in ClinVar:

ClinVar aggregate classification (germline): Uncertain significance (1 of 4 stars; one submission).

Allele frequency attached by ClinVar (database versions not stated): ExAC 0.00001; gnomAD exomes 0.00001; gnomAD 0.00011 and 0.00012; TOPMed 0.00025.
gnomAD v4.1: 27 of 1,576,784 alleles (0.0017%); highest among the groups gnomAD compares: Admixed American, 0.037%; no homozygotes.

Submission:

Labcorp Genetics (formerly Invitae), Labcorp
Classification: Uncertain significance. Last evaluated: 2022-10-13. Review status: criteria provided, single submitter. Criteria: Invitae Variant Classification Sherloc (09022015). Collection method: clinical testing. Allele origin: germline.
Comment: This sequence change replaces glutamine, which is neutral and polar, with arginine, which is basic and polar, at codon 516 of the NPR3 protein (p.Gln516Arg). This variant is present in population databases (rs773886336, gnomAD 0.006%). This variant has not been reported in the literature in individuals affected with NPR3-related conditions. ClinVar contains an entry for this variant (Variation ID: 1411492). Algorithms developed to predict the effect of missense changes on protein structure and function output the following: SIFT: "Deleterious"; PolyPhen-2: "Benign"; Align-GVGD: "Class C0". The arginine amino acid residue is found in multiple mammalian species, which suggests that this missense change does not adversely affect protein function. In summary, the available evidence is currently insufficient to determine the role of this variant in disease. Therefore, it has been classified as a Variant of Uncertain Significance.

NM_001204375.2(NPR3):c.1550A>G (p.Gln517Arg)

Gene: NPR3 (natriuretic peptide receptor 3; plus strand). Cytogenetic location: 5p13.3.
Variant type: single nucleotide variant.
Coding change: c.1550A>G on transcript NM_001204375.2 (MANE Select); coding-DNA position 1550, A replaced by G.
Protein change: p.Gln517Arg; replaces glutamine 517 with arginine.
Molecular consequence: missense variant.
Genome position (GRCh38, 1-based): chr5:32,786,269, A>G. VCF-style: chr5-32786269-A-G. GRCh37 (hg19) VCF-style: chr5-32786375-A-G.
Other names: c.1547A>G, p.Gln516Arg (NM_000908.4); c.899A>G, p.Gln300Arg (NM_001204376.2); c.902A>G, p.Gln301Arg (NM_001363652.2); c.830A>G, p.Gln277Arg (NM_001364458.2); c.779A>G, p.Gln260Arg (NM_001364460.2); short protein forms Q301R, Q516R, Q300R, Q517R, Q260R, Q277R.
Identifiers: ClinVar variation 1411492 (VCV001411492.3), dbSNP rs773886336, ClinGen allele CA3222710.